The following is an entry in ClinVar:

NM_013254.4(TBK1):c.1760+2T>G

Gene: TBK1 (TANK binding kinase 1; plus strand). Cytogenetic location: 12q14.2.
Variant type: single nucleotide variant.
Coding change: c.1760+2T>G on transcript NM_013254.4 (MANE Select); the canonical splice donor site of the intron after coding-DNA position 1760, T replaced by G.
Molecular consequence: splice donor variant.
Genome position (GRCh38, 1-based): chr12:64,496,408, T>G. VCF-style: chr12-64496408-T-G. GRCh37 (hg19) VCF-style: chr12-64890188-T-G.
Identifiers: ClinVar variation 4977293 (VCV004977293.1).

ClinVar aggregate classification (germline): Likely pathogenic (1 of 4 stars; one submission).

Conditions:
TBK1-related disorder. Also called: TBK1-related condition.

Submission:

PreventionGenetics, part of Exact Sciences
Classification: Likely pathogenic for TBK1-related condition. Last evaluated: 2025-07-14. Review status: criteria provided, single submitter. Criteria: ACMG Guidelines, 2015. Collection method: clinical testing. Allele origin: germline.
Comment: The TBK1 c.1760+2T>G variant is predicted to disrupt the GT donor site and interfere with normal splicing. To our knowledge, this variant has not been reported in the literature or in a large population database (gnomAD), indicating this variant is rare. Variants that disrupt the consensus splice donor site in TBK1 are expected to be pathogenic. This variant is interpreted as likely pathogenic.